The following is an entry in ClinVar:

ClinVar aggregate classification (germline): Likely pathogenic (1 of 4 stars; one submission).

Conditions:
Neonatal-onset encephalopathy with rigidity and seizures. Also called: Lethal neonatal spasticity-epileptic encephalopathy syndrome. Identifiers: Orphanet 435845, MedGen C3281029, MONDO:0013784, OMIM 614498.

gnomAD v4.1: 3 of 1,614,086 alleles (0.00019%); highest among the groups gnomAD compares: South Asian, 0.0022%; no homozygotes.

Submission:

Neuberg Centre For Genomic Medicine, NCGM
Classification: Likely pathogenic for Neonatal-onset encephalopathy with rigidity and seizures. Last evaluated: 2023-02-14. Review status: criteria provided, single submitter. Criteria: ACMG Guidelines, 2015. Collection method: clinical testing. Allele origin: germline. Inheritance: Autosomal recessive inheritance. Affected: yes.
Comment: The stop gained c.196C>T(p.Gln66Ter) variant in BRAT1 gene has not been reported previously as a pathogenic variant nor a benign variant, to our knowledge. The c.196C>T variant is novel (not in any individuals) in gnomAD Exomes and 1000 Genomes. This variant has not been reported to the ClinVar database. The nucleotide change c.196C>T in BRAT1 is predicted as conserved by GERP++ and PhyloP across 100 vertebrates. This variant is predicted to cause loss of normal protein function through protein truncation. Loss of function variants have been previously reported to be disease causing. For these reasons, this variant has been classified as Likely Pathogenic.

NM_152743.4(BRAT1):c.196C>T (p.Gln66Ter)

Gene: BRAT1 (BRCA1 associated ATM activator 1; minus strand). Cytogenetic location: 7p22.3.
Variant type: single nucleotide variant.
Coding change: c.196C>T on transcript NM_152743.4 (MANE Select); coding-DNA position 196, C replaced by T.
Protein change: p.Gln66Ter; replaces glutamine 66 with a stop codon.
Molecular consequence: nonsense. On other transcripts: 5 prime UTR variant (1), non-coding transcript variant (1).
Genome position (GRCh38, 1-based): chr7:2,547,410, G>A on the plus strand (C>T on the coding strand, the complement: BRAT1 is on the minus strand). VCF-style: chr7-2547410-G-A. GRCh37 (hg19) VCF-style: chr7-2587044-G-A.
Other names: c.196C>T, p.Gln66Ter (NM_001350626.2); c.-182C>T (NM_001350627.2); short protein forms Q66*.
Identifiers: ClinVar variation 2664897 (VCV002664897.1), dbSNP rs766106194, ClinGen allele CA366633241.
Genomic context (GRCh38, chr7:2,547,410, plus strand): 5'-GGGCTGCGAAGGTTCCTGCCAGGCGCAGTGAGAAGGAGAGGACCCCAGAACTCAGGTCCT[G>A]GACTTTCAGCACATGGGACAGCAGCTCCACCAGGCAGGGGTGCTCCTGCAGCAGCACGAC-3'